The following is an entry in ClinVar:

ClinVar aggregate classification (germline): Benign. Review status: criteria provided, multiple submitters, no conflicts (2 of 4 stars). 4 submissions from 4 submitters: Benign (4). Last evaluated 2026-01-14.

Conditions:
Intestinal hypomagnesemia 1. Also called: HYPOMAGNESEMIA, INTESTINAL, WITH SECONDARY HYPOCALCEMIA; HYPOMAGNESEMIC TETANY. Identifiers: Orphanet 30924, MedGen C1865974, MONDO:0011176, OMIM 602014.

Allele frequency attached by ClinVar (database versions not stated): gnomAD exomes 0.00073 and 0.00194; ExAC 0.00251; gnomAD 0.00793 and 0.00853; 1000 Genomes Project 0.00799; 1000 Genomes Project 30x 0.00874; TOPMed 0.00876; ESP Exome Variant Server 0.01007.
gnomAD v4.1: 2,315 of 1,614,058 alleles (0.14%); highest among the groups gnomAD compares: African/African-American, 2.8%; 25 homozygotes.

Submissions (4):

Labcorp Genetics (formerly Invitae), Labcorp
Classification: Benign. Last evaluated: 2026-01-14. Review status: criteria provided, single submitter. Criteria: Invitae Variant Classification Sherloc (09022015). Collection method: clinical testing. Allele origin: germline.

Mayo Clinic Laboratories, Mayo Clinic
Classification: Benign. Last evaluated: 2024-08-14. Review status: criteria provided, single submitter. Criteria: ACMG Guidelines, 2015. Collection method: clinical testing. Allele origin: germline. Observed: 5 variant alleles.
Comment: BS1, BS2

Illumina Laboratory Services, Illumina
Classification: Benign for Intestinal hypomagnesemia 1. Last evaluated: 2018-01-13. Review status: criteria provided, single submitter. Criteria: ICSL Variant Classification Criteria 13 December 2019. Collection method: clinical testing. Allele origin: germline.
Comment: This variant was observed in the ICSL laboratory as part of a predisposition screen in an ostensibly healthy population. It had not been previously curated by ICSL or reported in the Human Gene Mutation Database (HGMD: prior to June 1st, 2018), and was therefore a candidate for classification through an automated scoring system. Utilizing variant allele frequency, disease prevalence and penetrance estimates, and inheritance mode, an automated score was calculated to assess if this variant is too frequent to cause the disease. Based on the score and internal cut-off values, a variant classified as benign is not then subjected to further curation. The score for this variant resulted in a classification of benign for this disease.

Breakthrough Genomics
Classification: Benign. Review status: criteria provided, single submitter. Criteria: ACMG Guidelines, 2015. Collection method: not provided. Allele origin: germline. Inheritance: Autosomal recessive inheritance. Affected: yes.

NM_017662.5(TRPM6):c.3821A>G (p.Gln1274Arg)

Gene: TRPM6 (transient receptor potential cation channel subfamily M member 6; minus strand). Cytogenetic location: 9q21.13.
Variant type: single nucleotide variant.
Coding change: c.3821A>G on transcript NM_017662.5 (MANE Select); coding-DNA position 3821, A replaced by G.
Protein change: p.Gln1274Arg; replaces glutamine 1274 with arginine.
Molecular consequence: missense variant.
Genome position (GRCh38, 1-based): chr9:74,762,850, T>C on the plus strand (A>G on the coding strand, the complement: TRPM6 is on the minus strand). VCF-style: chr9-74762850-T-C. GRCh37 (hg19) VCF-style: chr9-77377766-T-C.
Other names: c.3806A>G, p.Gln1269Arg (NM_001177310.2, NM_001177311.2); short protein forms Q1274R, Q1269R.
Identifiers: ClinVar variation 367307 (VCV000367307.16), dbSNP rs34608911, ClinGen allele CA5084208.
Genomic context (GRCh38, chr9:74,762,850, plus strand): 5'-CTTGGGGGATGCCGGCCTCCAGCCAGGCTCCTCAGCAAAGAAGAGGGCATGCTATAATAC[T>C]GGTATTTCTTCTCTCCAGCGATCTCCATGCTGCCTAGAACCTCTGCACAGATGACATTGC-3'
Protein context (NP_060132.3, residues 1264-1284): SMEIAGEKKY[Gln1274Arg]YYSMPSSLLR